The following is an entry in ClinVar:

NM_003776.4(MRPL40):c.43C>T (p.Pro15Ser)

Genes: MRPL40 (mitochondrial ribosomal protein L40; plus strand), LOC130066955 (ATAC-STARR-seq lymphoblastoid silent region 13460; plus strand). Cytogenetic location: 22q11.21.
Variant type: single nucleotide variant.
Coding change: c.43C>T on transcript NM_003776.4 (MANE Select); coding-DNA position 43, C replaced by T.
Protein change: p.Pro15Ser; replaces proline 15 with serine.
Molecular consequence: missense variant. On other transcripts: 5 prime UTR variant (1).
Genome position (GRCh38, 1-based): chr22:19,432,597, C>T. VCF-style: chr22-19432597-C-T. GRCh37 (hg19) VCF-style: chr22-19420120-C-T.
Other names: c.-342C>T (NM_001318151.2); short protein forms P15S.
Identifiers: ClinVar variation 3207815 (VCV003207815.2), dbSNP rs749136776, ClinGen allele CA10100099.

ClinVar aggregate classification (germline): Uncertain significance. Review status: criteria provided, multiple submitters, no conflicts (2 of 4 stars). 2 submissions from 2 submitters: Uncertain significance (2). Last evaluated 2025-03-01.

Allele frequency attached by ClinVar (database versions not stated): gnomAD 0.00001; gnomAD exomes 0.00001; TOPMed 0.00005.
gnomAD v4.1: 20 of 1,554,320 alleles (0.0013%); highest among the groups gnomAD compares: Admixed American, 0.029%; no homozygotes.

Submissions (2):

Labcorp Genetics (formerly Invitae), Labcorp
Classification: Uncertain significance. Last evaluated: 2025-03-01. Review status: criteria provided, single submitter. Criteria: Invitae Variant Classification Sherloc (09022015). Collection method: clinical testing. Allele origin: germline.
Comment: This sequence change replaces proline, which is neutral and non-polar, with serine, which is neutral and polar, at codon 15 of the MRPL40 protein (p.Pro15Ser). This variant is present in population databases (rs749136776, gnomAD 0.04%). This variant has not been reported in the literature in individuals affected with MRPL40-related conditions. ClinVar contains an entry for this variant (Variation ID: 3207815). An algorithm developed to predict the effect of missense changes on protein structure and function outputs the following: PolyPhen-2: "Benign". The serine amino acid residue is found in multiple mammalian species, which suggests that this missense change does not adversely affect protein function. In summary, the available evidence is currently insufficient to determine the role of this variant in disease. Therefore, it has been classified as a Variant of Uncertain Significance.

Ambry Genetics
Classification: Uncertain significance. Last evaluated: 2024-01-22. Review status: criteria provided, single submitter. Criteria: Ambry Variant Classification Scheme 2023. Collection method: clinical testing. Allele origin: germline.